The following is an entry in ClinVar:

ClinVar aggregate classification (germline): Uncertain significance (1 of 4 stars; one submission).

Conditions:
Charcot-Marie-Tooth disease type 2. Also called: Charcot-Marie-Tooth type 2. Identifiers: Orphanet 64746, MedGen C0270914, MONDO:0018993.

Submission:

Labcorp Genetics (formerly Invitae), Labcorp
Classification: Uncertain significance for Charcot-Marie-Tooth disease type 2. Last evaluated: 2022-02-01. Review status: criteria provided, single submitter. Criteria: Invitae Variant Classification Sherloc (09022015). Collection method: clinical testing. Allele origin: germline.
Comment: In summary, the available evidence is currently insufficient to determine the role of this variant in disease. Therefore, it has been classified as a Variant of Uncertain Significance. This variant disrupts the p.Leu387 amino acid residue in LMNA. Other variant(s) that disrupt this residue have been determined to be pathogenic (Invitae). This suggests that this residue is clinically significant, and that variants that disrupt this residue are likely to be disease-causing. Algorithms developed to predict the effect of missense changes on protein structure and function (SIFT, PolyPhen-2, Align-GVGD) all suggest that this variant is likely to be disruptive. This variant has not been reported in the literature in individuals affected with LMNA-related conditions. This variant is not present in population databases (gnomAD no frequency). This sequence change replaces leucine, which is neutral and non-polar, with glutamine, which is neutral and polar, at codon 387 of the LMNA protein (p.Leu387Gln).

NM_170707.4(LMNA):c.1160T>A (p.Leu387Gln)

Gene: LMNA (lamin A/C; plus strand). Cytogenetic location: 1q22.
Variant type: single nucleotide variant.
Coding change: c.1160T>A on transcript NM_170707.4 (MANE Select); coding-DNA position 1160, T replaced by A.
Protein change: p.Leu387Gln; replaces leucine 387 with glutamine.
Molecular consequence: missense variant.
Genome position (GRCh38, 1-based): chr1:156,136,216, T>A. VCF-style: chr1-156136216-T-A. GRCh37 (hg19) VCF-style: chr1-156106007-T-A.
Other names: c.824T>A, p.Leu275Gln (NM_001257374.3, NM_001406989.1, NM_001406998.1); c.917T>A, p.Leu306Gln (NM_001282624.2, NM_001406986.1, NM_001406987.1); c.1160T>A, p.Leu387Gln (NM_001282625.2, NM_001282626.2, NM_001406983.1 and 6 more transcripts); c.863T>A, p.Leu288Gln (NM_001406988.1); c.536T>A, p.Leu179Gln (NM_001407000.1, NM_001407001.1, NM_001406994.1 and 1 more transcripts); c.602T>A, p.Leu201Gln (NM_001407002.1, NM_001407003.1, NM_001406990.1 and 4 more transcripts); short protein forms L201Q, L387Q, L179Q, L288Q, L275Q, L306Q.
Identifiers: ClinVar variation 2091332 (VCV002091332.4), dbSNP rs879253934, ClinGen allele CA342820759.